The following is an entry in ClinVar:

NM_001369.3(DNAH5):c.6754C>T (p.Gln2252Ter)

Gene: DNAH5 (dynein axonemal heavy chain 5; minus strand). Cytogenetic location: 5p15.2.
Variant type: single nucleotide variant.
Coding change: c.6754C>T on transcript NM_001369.3 (MANE Select); coding-DNA position 6754, C replaced by T.
Protein change: p.Gln2252Ter; replaces glutamine 2252 with a stop codon.
Molecular consequence: nonsense.
Genome position (GRCh38, 1-based): chr5:13,820,433, G>A on the plus strand (C>T on the coding strand, the complement: DNAH5 is on the minus strand). VCF-style: chr5-13820433-G-A. GRCh37 (hg19) VCF-style: chr5-13820542-G-A.
Other names: short protein forms Q2252*.
Identifiers: ClinVar variation 2004256 (VCV002004256.4), dbSNP rs2546843576, ClinGen allele CA359194855.

ClinVar aggregate classification (germline): Pathogenic (1 of 4 stars; one submission).

Conditions:
Primary ciliary dyskinesia. Also called: Ciliary dyskinesia. Identifiers: Orphanet 244, MedGen C0008780, MONDO:0016575, HP:0012265.

Submission:

Labcorp Genetics (formerly Invitae), Labcorp
Classification: Pathogenic for Primary ciliary dyskinesia. Last evaluated: 2022-06-10. Review status: criteria provided, single submitter. Criteria: Invitae Variant Classification Sherloc (09022015). Collection method: clinical testing. Allele origin: germline.
Comment: For these reasons, this variant has been classified as Pathogenic. This variant has not been reported in the literature in individuals affected with DNAH5-related conditions. This variant is not present in population databases (gnomAD no frequency). This sequence change creates a premature translational stop signal (p.Gln2252*) in the DNAH5 gene. It is expected to result in an absent or disrupted protein product. Loss-of-function variants in DNAH5 are known to be pathogenic (PMID: 11788826, 16627867).

Literature cited by the submitters: PubMed 11788826; PubMed 16627867.